The following is an entry in ClinVar:

NM_144973.4(DENND5B):c.2321A>G (p.Glu774Gly)

Gene: DENND5B (DENN domain containing 5B; minus strand). Cytogenetic location: 12p11.21.
Variant type: single nucleotide variant.
Coding change: c.2321A>G on transcript NM_144973.4 (MANE Select); coding-DNA position 2321, A replaced by G.
Protein change: p.Glu774Gly; replaces glutamic acid 774 with glycine.
Molecular consequence: missense variant.
Genome position (GRCh38, 1-based): chr12:31,424,605, T>C on the plus strand (A>G on the coding strand, the complement: DENND5B is on the minus strand). VCF-style: chr12-31424605-T-C. GRCh37 (hg19) VCF-style: chr12-31577539-T-C.
Other names: c.2426A>G, p.Glu809Gly (NM_001308339.2); short protein forms E774G, E809G.
Identifiers: ClinVar variation 3341015 (VCV003341015.2).

ClinVar aggregate classification (germline): Pathogenic (1 of 4 stars; one submission).

Submission:

GeneDx
Classification: Pathogenic. Last evaluated: 2025-03-18. Review status: criteria provided, single submitter. Criteria: GeneDx Variant Classification Process June 2021. Collection method: clinical testing. Allele origin: germline.
Comment: Not observed at significant frequency in large population cohorts (gnomAD); In silico analysis supports that this missense variant has a deleterious effect on protein structure/function; Has not been previously published as pathogenic or benign to our knowledge